The following is an entry in ClinVar:

ClinVar aggregate classification (germline): Uncertain significance (1 of 4 stars; one submission).

gnomAD v4.1: 1 of 1,551,604 alleles (0.000064%); highest among the groups gnomAD compares: East Asian, 0.0024%; no homozygotes.

Submission:

Women's Health and Genetics/Laboratory Corporation of America, LabCorp
Classification: Uncertain significance. Last evaluated: 2024-07-02. Review status: criteria provided, single submitter. Criteria: LabCorp Variant Classification Summary - May 2015. Collection method: clinical testing. Allele origin: germline.
Comment: Variant summary: ADGRV1 c.529A>T (p.Thr177Ser) results in a conservative amino acid change located in the Na-Ca exchanger/integrin-beta4 domain (IPR003644) of the encoded protein sequence. Three of five in-silico tools predict a damaging effect of the variant on protein function. The frequency data for this variant in gnomAD is considered unreliable, as metrics indicate poor data quality at this position. To our knowledge, no occurrence of c.529A>T in individuals affected with Usher Syndrome and no experimental evidence demonstrating its impact on protein function have been reported. No submitters have cited clinical-significance assessments for this variant to ClinVar. Based on the evidence outlined above, the variant was classified as uncertain significance.

NM_032119.4(ADGRV1):c.529A>T (p.Thr177Ser)

Gene: ADGRV1 (adhesion G protein-coupled receptor V1; plus strand). Cytogenetic location: 5q14.3.
Variant type: single nucleotide variant.
Coding change: c.529A>T on transcript NM_032119.4 (MANE Select); coding-DNA position 529, A replaced by T.
Protein change: p.Thr177Ser; replaces threonine 177 with serine.
Molecular consequence: missense variant. On other transcripts: non-coding transcript variant (1).
Genome position (GRCh38, 1-based): chr5:90,622,672, A>T. VCF-style: chr5-90622672-A-T. GRCh37 (hg19) VCF-style: chr5-89918489-A-T.
Other names: short protein forms T177S.
Identifiers: ClinVar variation 3339188 (VCV003339188.1).